The following is an entry in ClinVar:

NM_138701.4(MPLKIP):c.109C>T (p.Arg37Trp)

Gene: MPLKIP (M-phase specific PLK1 interacting protein; minus strand). Cytogenetic location: 7p14.1.
Variant type: single nucleotide variant.
Coding change: c.109C>T on transcript NM_138701.4 (MANE Select); coding-DNA position 109, C replaced by T.
Protein change: p.Arg37Trp; replaces arginine 37 with tryptophan.
Molecular consequence: missense variant.
Genome position (GRCh38, 1-based): chr7:40,134,459, G>A on the plus strand (C>T on the coding strand, the complement: MPLKIP is on the minus strand). VCF-style: chr7-40134459-G-A. GRCh37 (hg19) VCF-style: chr7-40174058-G-A.
Other names: short protein forms R37W.
Identifiers: ClinVar variation 1921869 (VCV001921869.5), dbSNP rs778600723, ClinGen allele CA4229238.

ClinVar aggregate classification (germline): Uncertain significance (1 of 4 stars; one submission).

Allele frequency attached by ClinVar (database versions not stated): gnomAD exomes 0.00001; TOPMed 0.00001; gnomAD 0.00002; ExAC 0.00011.
gnomAD v4.1: 11 of 1,569,986 alleles (0.0007%); highest among the groups gnomAD compares: Non-Finnish European, 0.00095%; no homozygotes.

Submission:

Labcorp Genetics (formerly Invitae), Labcorp
Classification: Uncertain significance. Last evaluated: 2022-09-26. Review status: criteria provided, single submitter. Criteria: Invitae Variant Classification Sherloc (09022015). Collection method: clinical testing. Allele origin: germline.
Comment: In summary, the available evidence is currently insufficient to determine the role of this variant in disease. Therefore, it has been classified as a Variant of Uncertain Significance. Algorithms developed to predict the effect of missense changes on protein structure and function are either unavailable or do not agree on the potential impact of this missense change (SIFT: "Deleterious"; PolyPhen-2: "Not Available"; Align-GVGD: "Class C0"). This variant has not been reported in the literature in individuals affected with MPLKIP-related conditions. The frequency data for this variant in the population databases is considered unreliable, as metrics indicate poor data quality at this position in the gnomAD database. This sequence change replaces arginine, which is basic and polar, with tryptophan, which is neutral and slightly polar, at codon 37 of the MPLKIP protein (p.Arg37Trp).